The following is an entry in ClinVar:

NM_001041.4(SI):c.807+4A>G

Gene: SI (sucrase-isomaltase; minus strand). Cytogenetic location: 3q26.1.
Variant type: single nucleotide variant.
Coding change: c.807+4A>G on transcript NM_001041.4 (MANE Select); 4 bases into the intron after coding-DNA position 807, A replaced by G.
Molecular consequence: intron variant.
Genome position (GRCh38, 1-based): chr3:165,065,257, T>C on the plus strand (A>G on the coding strand, the complement: SI is on the minus strand). VCF-style: chr3-165065257-T-C. GRCh37 (hg19) VCF-style: chr3-164783045-T-C.
Identifiers: ClinVar variation 1449823 (VCV001449823.5), dbSNP rs541491902, ClinGen allele CA2691325.

ClinVar aggregate classification (germline): Uncertain significance. Review status: criteria provided, multiple submitters, no conflicts (2 of 4 stars). 3 submissions from 3 submitters: Uncertain significance (3). Last evaluated 2024-02-15.

Conditions:
Sucrase-isomaltase deficiency (CSID). Also called: Deficiency of isomaltase; SI DEFICIENCY; Congenital sucrose isomaltose malabsorption; Sucrose isomaltose enzyme deficiency. Identifiers: Orphanet 35122, MedGen C1283620, MONDO:0009114, OMIM 222900.

Allele frequency attached by ClinVar (database versions not stated): gnomAD exomes below 0.00001 and 0.00001; ExAC 0.00002; TOPMed 0.00003; gnomAD 0.00004 and 0.00005; 1000 Genomes Project 30x 0.00031; 1000 Genomes Project 0.00040.
gnomAD v4.1: 13 of 1,577,436 alleles (0.00082%); highest among the groups gnomAD compares: Admixed American, 0.022%; no homozygotes.

Submissions (3):

3billion
Classification: Uncertain significance for Sucrase-isomaltase deficiency. Last evaluated: 2024-02-15. Review status: criteria provided, single submitter. Criteria: ACMG Guidelines, 2015. Collection method: clinical testing. Allele origin: germline. Affected: yes.
Comment: The variant is observed at an extremely low frequency in the gnomAD v2.1.1 dataset (total allele frequency: 0.001%). Predicted Consequence/Location: Intron variant In silico tools predict the variant to alter splicing and produce an abnormal transcript [SpliceAI: 0.46 (>=0.2, moderate evidence for spliceogenicity)]. Therefore, this variant is classified as VUS according to the recommendation of ACMG/AMP guideline.

Labcorp Genetics (formerly Invitae), Labcorp
Classification: Uncertain significance. Last evaluated: 2022-08-23. Review status: criteria provided, single submitter. Criteria: Invitae Variant Classification Sherloc (09022015). Collection method: clinical testing. Allele origin: germline.
Comment: This sequence change falls in intron 7 of the SI gene. It does not directly change the encoded amino acid sequence of the SI protein. It affects a nucleotide within the consensus splice site. This variant is present in population databases (rs541491902, gnomAD 0.009%). This variant has not been reported in the literature in individuals affected with SI-related conditions. ClinVar contains an entry for this variant (Variation ID: 1449823). Variants that disrupt the consensus splice site are a relatively common cause of aberrant splicing (PMID: 17576681, 9536098). Algorithms developed to predict the effect of sequence changes on RNA splicing suggest that this variant may create or strengthen a splice site. In summary, the available evidence is currently insufficient to determine the role of this variant in disease. Therefore, it has been classified as a Variant of Uncertain Significance.

Breakthrough Genomics
Classification: Uncertain significance. Review status: criteria provided, single submitter. Criteria: ACMG Guidelines, 2015. Collection method: not provided. Allele origin: germline. Inheritance: Autosomal recessive inheritance. Affected: yes.

Literature cited by the submitters: PubMed 17576681 (cited by Labcorp Genetics (formerly Invitae), Labcorp); PubMed 9536098 (cited by Labcorp Genetics (formerly Invitae), Labcorp).